The following is an entry in ClinVar:

NM_001458.5(FLNC):c.5723A>C (p.Asp1908Ala)

Genes: FLNC (filamin C; plus strand), FLNC-AS1 (FLNC antisense RNA 1; minus strand). Cytogenetic location: 7q32.1.
Variant type: single nucleotide variant.
Coding change: c.5723A>C on transcript NM_001458.5 (MANE Select); coding-DNA position 5723, A replaced by C.
Protein change: p.Asp1908Ala; replaces aspartic acid 1908 with alanine.
Molecular consequence: missense variant.
Genome position (GRCh38, 1-based): chr7:128,851,509, A>C. VCF-style: chr7-128851509-A-C. GRCh37 (hg19) VCF-style: chr7-128491563-A-C.
Other names: c.5624A>C, p.Asp1875Ala (NM_001127487.2); short protein forms D1875A, D1908A.
Identifiers: ClinVar variation 1064028 (VCV001064028.9), dbSNP rs2128938447, ClinGen allele CA369208164.

ClinVar aggregate classification (germline): Uncertain significance (1 of 4 stars; one submission).

Conditions:
Myofibrillar myopathy 5. Also called: Filaminopathy (type); FILAMINOPATHY, AUTOSOMAL DOMINANT. Identifiers: Orphanet 171445, MedGen C1836050, MONDO:0012289, OMIM 609524.
Distal myopathy with posterior leg and anterior hand involvement. Also called: WILLIAMS DISTAL MYOPATHY. Identifiers: Orphanet 63273, MedGen C3279722, MONDO:0013550, OMIM 614065.
Hypertrophic cardiomyopathy 26. Also called: Cardiomyopathy, familial hypertrophic, 26. Identifiers: Orphanet 75249, MedGen C4310749, MONDO:0014883, OMIM 617047.

Submission:

Labcorp Genetics (formerly Invitae), Labcorp
Classification: Uncertain significance for Distal myopathy with posterior leg and anterior hand involvement; Myofibrillar myopathy 5; Hypertrophic cardiomyopathy 26. Last evaluated: 2020-05-20. Review status: criteria provided, single submitter. Criteria: Invitae Variant Classification Sherloc (09022015). Collection method: clinical testing. Allele origin: germline.
Comment: In summary, the available evidence is currently insufficient to determine the role of this variant in disease. Therefore, it has been classified as a Variant of Uncertain Significance. Algorithms developed to predict the effect of missense changes on protein structure and function are either unavailable or do not agree on the potential impact of this missense change (SIFT: "Deleterious"; PolyPhen-2: "Probably Damaging"; Align-GVGD: "Class C0"). This variant has not been reported in the literature in individuals with FLNC-related conditions. This variant is not present in population databases (ExAC no frequency). This sequence change replaces aspartic acid with alanine at codon 1908 of the FLNC protein (p.Asp1908Ala). The aspartic acid residue is highly conserved and there is a moderate physicochemical difference between aspartic acid and alanine.